The following is an entry in ClinVar:

ClinVar aggregate classification (germline): Likely benign (0 of 4 stars; one submission).

Conditions:
CHD5-related disorder. Also called: CHD5-related condition.

Allele frequency attached by ClinVar (database versions not stated): gnomAD exomes 0.00004; gnomAD 0.00005; TOPMed 0.00006; ExAC 0.00011; ESP Exome Variant Server 0.00015.
gnomAD v4.1: 77 of 1,612,060 alleles (0.0048%); highest among the groups gnomAD compares: South Asian, 0.0077%; no homozygotes.

Submission:

PreventionGenetics, part of Exact Sciences
Classification: Likely benign for CHD5-related condition. Last evaluated: 2023-05-31. Review status: no assertion criteria provided. Collection method: clinical testing. Allele origin: germline.
Comment: This variant is classified as likely benign based on ACMG/AMP sequence variant interpretation guidelines (Richards et al. 2015 PMID: 25741868, with internal and published modifications).

NM_015557.3(CHD5):c.645G>A (p.Ala215=)

Gene: CHD5 (chromodomain helicase DNA binding protein 5; minus strand). Cytogenetic location: 1p36.31.
Variant type: single nucleotide variant.
Coding change: c.645G>A on transcript NM_015557.3 (MANE Select); coding-DNA position 645, G replaced by A.
Protein change: p.Ala215=; no amino-acid change (alanine 215 retained).
Molecular consequence: synonymous variant.
Genome position (GRCh38, 1-based): chr1:6,154,760, C>T on the plus strand (G>A on the coding strand, the complement: CHD5 is on the minus strand). VCF-style: chr1-6154760-C-T. GRCh37 (hg19) VCF-style: chr1-6214820-C-T.
Identifiers: ClinVar variation 3029893 (VCV003029893.2), dbSNP rs146685330, ClinGen allele CA557306.